The following is an entry in ClinVar:

NM_002609.4(PDGFRB):c.1610C>A (p.Ala537Asp)

Gene: PDGFRB (platelet derived growth factor receptor beta; minus strand). Cytogenetic location: 5q32.
Variant type: single nucleotide variant.
Coding change: c.1610C>A on transcript NM_002609.4 (MANE Select); coding-DNA position 1610, C replaced by A.
Protein change: p.Ala537Asp; replaces alanine 537 with aspartic acid.
Molecular consequence: missense variant.
Genome position (GRCh38, 1-based): chr5:150,126,584, G>T on the plus strand (C>A on the coding strand, the complement: PDGFRB is on the minus strand). VCF-style: chr5-150126584-G-T. GRCh37 (hg19) VCF-style: chr5-149506147-G-T.
Other names: c.1418C>A, p.Ala473Asp (NM_001355016.2); c.1127C>A, p.Ala376Asp (NM_001355017.2); short protein forms A473D, A537D, A376D.
Identifiers: ClinVar variation 973199 (VCV000973199.4), dbSNP rs1760301176, ClinGen allele CA361713496.
Genomic context (GRCh38, chr5:150,126,584, plus strand): 5'-TGCCAAAGCATGATGAGGATGATAAGGGAGATGATGGTGAGCACCACCAGGGCCAGGATG[G>T]CTGAGATCACCACCACCTTAAAGGGCAAGGCTGGAGGCAGAGATGAGAGCAGGCCATGAG-3'
Protein context (NP_002600.1, residues 527-547): SLPFKVVVIS[Ala537Asp]ILALVVLTII

ClinVar aggregate classification (germline): Conflicting classifications of pathogenicity. Review status: criteria provided, conflicting classifications (1 of 4 stars). 2 submissions from 2 submitters: Pathogenic (1); Uncertain significance (1). Last evaluated 2022-01-03.

Conditions:
Acroosteolysis-keloid-like lesions-premature aging syndrome. Also called: Premature aging syndrome, Penttinen type; Prematurely aged appearance, delayed bone maturation, acro-osteolysis, and brachydactyly; Progeroid syndrome, Penttinen type. Identifiers: Orphanet 363665, MedGen C1866182, MONDO:0011150, OMIM 601812.
Infantile myofibromatosis (IMF). Also called: Congenital generalized fibromatosis. Identifiers: Orphanet 2591, MedGen C0432284, MONDO:0016824.

Submissions (2):

3billion
Classification: Uncertain significance for Acroosteolysis-keloid-like lesions-premature aging syndrome. Last evaluated: 2022-01-03. Review status: criteria provided, single submitter. Criteria: ACMG Guidelines, 2015. Collection method: clinical testing. Allele origin: germline. Affected: yes. Observed: 1 heterozygote.
Comment: The variant reported as a pathogenic variant (ClinVar ID: VCV000973199) but it has only been observed as a somatic variant for a different phenotype, infantile myofibromatosis (OMIM: 228550), and therefore not used as a supporting evidence. It is not observed in the gnomAD v2.1.1 dataset (PM2_M). In silico tool predictions suggest damaging effect of the variant on gene or gene product (REVEL: 0.805, 3CNET: 0.924, PP3_P). Therefore, this variant is classified as uncertain significance according to the recommendation of ACMG/AMP guideline.

Demoulin lab, University of Louvain
Classification: Pathogenic for Infantile myofibromatosis. Last evaluated: 2018-08-10. Review status: criteria provided, single submitter. Criteria: Dachy G et al. (JAMA Dermatol 2019). Collection method: research. Allele origin: somatic. Affected: yes. Observed: 1 variant allele.
Comment: The mutation strongly activates PDGFRB signaling in in vitro assays (gain of function).

Variants NM_002609.3:c.1613T>A and NM_002609.3:c.1610C>A were found and analyzed together. This gain-of-function mutation of PDGFRB is sensitive to tyrosine kinase inhibitor imatinib.